The following is an entry in ClinVar:

ClinVar aggregate classification (germline): Pathogenic (1 of 4 stars; one submission).

Submission:

Labcorp Genetics (formerly Invitae), Labcorp
Classification: Pathogenic. Last evaluated: 2025-01-02. Review status: criteria provided, single submitter. Criteria: Invitae Variant Classification Sherloc (09022015). Collection method: clinical testing. Allele origin: germline.
Comment: This sequence change creates a premature translational stop signal (p.Gly321Serfs*31) in the RTN4IP1 gene. While this is not anticipated to result in nonsense mediated decay, it is expected to disrupt the last 76 amino acid(s) of the RTN4IP1 protein. This variant is not present in population databases (gnomAD no frequency). This variant has not been reported in the literature in individuals affected with RTN4IP1-related conditions. This variant disrupts a region of the RTN4IP1 protein in which other variant(s) (p.Arg388*) have been determined to be pathogenic (PMID: 31077085). This suggests that this is a clinically significant region of the protein, and that variants that disrupt it are likely to be disease-causing. For these reasons, this variant has been classified as Pathogenic.

Literature cited by the submitters: PubMed 31077085.

NM_032730.5(RTN4IP1):c.960_961del (p.Gly321fs)

Gene: RTN4IP1 (reticulon 4 interacting protein 1; minus strand). Cytogenetic location: 6q21.
Variant type: Deletion.
Coding change: c.960_961del on transcript NM_032730.5 (MANE Select); coding-DNA positions 960 to 961, 2 bases deleted (AG; older notation c.960_961delAG).
Protein change: p.Gly321fs; shifts the reading frame from glycine 321.
Molecular consequence: frameshift variant.
Genome position (GRCh38, 1-based): chr6:106,587,708-106,587,709, CT deleted on the plus strand (AG on the coding strand, the reverse complement: RTN4IP1 is on the minus strand). VCF-style (leftmost placement, unchanged base first): chr6-106587707-CCT-C. GRCh37 (hg19) VCF-style: chr6-107035582-CCT-C.
Other names: c.660_661del, p.Gly221fs (NM_001318746.1); short protein forms G221fs, G321fs.
Identifiers: ClinVar variation 3630338 (VCV003630338.2).